The following is an entry in ClinVar:

NM_000535.7(PMS2):c.186A>G (p.Gly62=)

Gene: PMS2 (PMS1 homolog 2, mismatch repair system component; minus strand). Cytogenetic location: 7p22.1.
Variant type: single nucleotide variant.
Coding change: c.186A>G on transcript NM_000535.7 (MANE Select); coding-DNA position 186, A replaced by G.
Protein change: p.Gly62=; no amino-acid change (glycine 62 retained).
Molecular consequence: synonymous variant. On other transcripts: 5 prime UTR variant (44), non-coding transcript variant (1), intron variant (1).
Genome position (GRCh38, 1-based): chr7:6,004,036, T>C on the plus strand (A>G on the coding strand, the complement: PMS2 is on the minus strand). VCF-style: chr7-6004036-T-C. GRCh37 (hg19) VCF-style: chr7-6043667-T-C.
Other names: c.-220A>G (NM_001018040.1, NM_001322003.2, NM_001322004.2 and 14 more transcripts); c.186A>G, p.Gly62= (NM_001322006.2, NM_001322014.2, NM_001406868.1 and 10 more transcripts); c.-30A>G (NM_001322007.2, NM_001322008.2, NM_001406876.1 and 4 more transcripts); c.-699A>G (NM_001322011.2, NM_001322012.2); c.-299A>G (NM_001322015.2, NM_001406875.1, NM_001406877.1 and 3 more transcripts); c.372A>G, p.Gly124= (NM_001406866.1); c.-246A>G (NM_001406880.1); c.-196A>G (NM_001406881.1, NM_001406900.1); and 3 more.
Identifiers: ClinVar variation 1781637 (VCV001781637.8), dbSNP rs2536516745, ClinGen allele CA453648723.

ClinVar aggregate classification (germline): Benign/Likely benign. Review status: criteria provided, multiple submitters, no conflicts (2 of 4 stars). 3 submissions from 3 submitters: Benign (1); Likely benign (2). Last evaluated 2025-01-23.

Conditions:
Hereditary nonpolyposis colorectal neoplasms. Identifiers: MedGen C0009405, MeSH D003123.
Hereditary cancer-predisposing syndrome. Also called: Neoplastic Syndromes, Hereditary; Tumor predisposition; Hereditary Cancer Syndrome; Hereditary neoplastic syndrome. Identifiers: Orphanet 140162, MedGen C0027672, MeSH D009386, MONDO:0015356.
Lynch syndrome 4 (LYNCH4). Also called: Hereditary non-polyposis colorectal cancer, type 4; Colorectal cancer, hereditary nonpolyposis, type 4. Identifiers: Orphanet 144, MedGen C1838333, MONDO:0013699, OMIM 614337. Disease mechanism: loss of function.

Submissions (3):

Myriad Genetics, Inc.
Classification: Benign for Lynch syndrome 4. Last evaluated: 2025-01-23. Review status: criteria provided, single submitter. Criteria: Myriad Autosomal Dominant, Autosomal Recessive and X-Linked Classification Criteria (2023). Collection method: clinical testing. Allele origin: unknown.
Comment: This variant is considered benign. This variant is a silent/synonymous amino acid change and it is not expected to impact splicing.

Labcorp Genetics (formerly Invitae), Labcorp
Classification: Likely benign for Hereditary nonpolyposis colorectal neoplasms. Last evaluated: 2022-03-21. Review status: criteria provided, single submitter. Criteria: Invitae Variant Classification Sherloc (09022015). Collection method: clinical testing. Allele origin: germline.

Ambry Genetics
Classification: Likely benign for Hereditary cancer-predisposing syndrome. Last evaluated: 2020-06-03. Review status: criteria provided, single submitter. Criteria: Ambry Variant Classification Scheme 2023. Collection method: clinical testing. Allele origin: germline.